The following is an entry in ClinVar:

NM_015340.4(LARS2):c.2291C>T (p.Ser764Leu)

Gene: LARS2 (leucyl-tRNA synthetase 2, mitochondrial; plus strand). Cytogenetic location: 3p21.31.
Variant type: single nucleotide variant.
Coding change: c.2291C>T on transcript NM_015340.4 (MANE Select); coding-DNA position 2291, C replaced by T.
Protein change: p.Ser764Leu; replaces serine 764 with leucine.
Molecular consequence: missense variant.
Genome position (GRCh38, 1-based): chr3:45,520,295, C>T. VCF-style: chr3-45520295-C-T. GRCh37 (hg19) VCF-style: chr3-45561787-C-T.
Other names: c.2291C>T (NM_015340.3); c.2291C>T, p.Ser764Leu (NM_001368263.1); short protein forms S764L.
Identifiers: ClinVar variation 2997119 (VCV002997119.4), dbSNP rs769530594, ClinGen allele CA352429727.

ClinVar aggregate classification (germline): Conflicting classifications of pathogenicity. Review status: criteria provided, conflicting classifications (1 of 4 stars). 2 submissions from 2 submitters: Uncertain significance (1); Likely benign (1). Last evaluated 2025-08-30.

Conditions:
Inborn genetic diseases. Identifiers: MedGen C0950123, MeSH D030342.

gnomAD v4.1: 12 of 1,611,236 alleles (0.00074%); highest among the groups gnomAD compares: Admixed American, 0.0017%; no homozygotes.

Submissions (2):

Ambry Genetics
Classification: Likely benign for Inborn genetic diseases. Last evaluated: 2025-08-30. Review status: criteria provided, single submitter. Criteria: Ambry Variant Classification Scheme 2023. Collection method: clinical testing. Allele origin: germline.

Labcorp Genetics (formerly Invitae), Labcorp
Classification: Uncertain significance. Last evaluated: 2024-02-05. Review status: criteria provided, single submitter. Criteria: Invitae Variant Classification Sherloc (09022015). Collection method: clinical testing. Allele origin: germline.
Comment: This sequence change replaces serine, which is neutral and polar, with leucine, which is neutral and non-polar, at codon 764 of the LARS2 protein (p.Ser764Leu). This variant is present in population databases (no rsID available, gnomAD 0.007%). This variant has not been reported in the literature in individuals affected with LARS2-related conditions. Algorithms developed to predict the effect of missense changes on protein structure and function output the following: SIFT: "Not Available"; PolyPhen-2: "Benign"; Align-GVGD: "Not Available". The leucine amino acid residue is found in multiple mammalian species, which suggests that this missense change does not adversely affect protein function. In summary, the available evidence is currently insufficient to determine the role of this variant in disease. Therefore, it has been classified as a Variant of Uncertain Significance.